The following is an entry in ClinVar:

ClinVar aggregate classification (germline): Benign (0 of 4 stars; one submission).

Conditions:
HEPHL1-related disorder. Also called: HEPHL1-related condition.

Allele frequency attached by ClinVar (database versions not stated): ESP Exome Variant Server 0.00041; gnomAD exomes 0.00251; gnomAD 0.00324; TOPMed 0.00416; ExAC 0.00659; 1000 Genomes Project 30x 0.01452; 1000 Genomes Project 0.01617.
gnomAD v4.1: 4,180 of 1,553,466 alleles (0.27%); highest among the groups gnomAD compares: East Asian, 7.5%; 160 homozygotes.

Submission:

PreventionGenetics, part of Exact Sciences
Classification: Benign for HEPHL1-related condition. Last evaluated: 2019-11-13. Review status: no assertion criteria provided. Collection method: clinical testing. Allele origin: germline.
Comment: This variant is classified as benign based on ACMG/AMP sequence variant interpretation guidelines (Richards et al. 2015 PMID: 25741868, with internal and published modifications).

NM_001098672.2(HEPHL1):c.3409C>T (p.Leu1137Phe)

Gene: HEPHL1 (hephaestin like 1; plus strand). Cytogenetic location: 11q21.
Variant type: single nucleotide variant.
Coding change: c.3409C>T on transcript NM_001098672.2 (MANE Select); coding-DNA position 3409, C replaced by T.
Protein change: p.Leu1137Phe; replaces leucine 1137 with phenylalanine.
Molecular consequence: missense variant.
Genome position (GRCh38, 1-based): chr11:94,111,823, C>T. VCF-style: chr11-94111823-C-T. GRCh37 (hg19) VCF-style: chr11-93844989-C-T.
Other names: short protein forms L1137F.
Identifiers: ClinVar variation 3055977 (VCV003055977.2), dbSNP rs117805838, ClinGen allele CA6233830.